The following is an entry in ClinVar:

ClinVar aggregate classification (germline): Uncertain significance (1 of 4 stars; one submission).

Conditions:
Inborn genetic diseases. Identifiers: MedGen C0950123, MeSH D030342.

gnomAD v4.1: 18 of 1,613,614 alleles (0.0011%); highest among the groups gnomAD compares: Non-Finnish European, 0.0015%; no homozygotes.

Submission:

Ambry Genetics
Classification: Uncertain significance for Inborn genetic diseases. Last evaluated: 2025-01-02. Review status: criteria provided, single submitter. Criteria: Ambry Variant Classification Scheme 2023. Collection method: clinical testing. Allele origin: germline.
Comment: The p.E413G variant (also known as c.1238A>G), located in coding exon 12 of the DDX41 gene, results from an A to G substitution at nucleotide position 1238. The glutamic acid at codon 413 is replaced by glycine, an amino acid with similar properties. This amino acid position is highly conserved in available vertebrate species. In addition, this alteration is predicted to be deleterious by in silico analysis. Based on the available evidence, the clinical significance of this variant remains unclear.

NM_016222.4(DDX41):c.1238A>G (p.Glu413Gly)

Gene: DDX41 (DEAD-box helicase 41; minus strand). Cytogenetic location: 5q35.3.
Variant type: single nucleotide variant.
Coding change: c.1238A>G on transcript NM_016222.4 (MANE Select); coding-DNA position 1238, A replaced by G.
Protein change: p.Glu413Gly; replaces glutamic acid 413 with glycine.
Molecular consequence: missense variant.
Genome position (GRCh38, 1-based): chr5:177,513,075, T>C on the plus strand (A>G on the coding strand, the complement: DDX41 is on the minus strand). VCF-style: chr5-177513075-T-C. GRCh37 (hg19) VCF-style: chr5-176940076-T-C.
Other names: c.860A>G, p.Glu287Gly (NM_001321732.2, NM_001321830.2); short protein forms E287G, E413G.
Identifiers: ClinVar variation 3838943 (VCV003838943.1).